The following is an entry in ClinVar:

ClinVar aggregate classification (germline): Uncertain significance. Review status: criteria provided, multiple submitters, no conflicts (2 of 4 stars). 2 submissions from 2 submitters: Uncertain significance (2). Last evaluated 2023-08-10.

Conditions:
Inborn genetic diseases. Identifiers: MedGen C0950123, MeSH D030342.

Allele frequency attached by ClinVar (database versions not stated): gnomAD 0.00001; ExAC 0.00002.
gnomAD v4.1: 5 of 1,613,912 alleles (0.00031%); highest among the groups gnomAD compares: African/African-American, 0.0067%; no homozygotes.

Submissions (2):

Labcorp Genetics (formerly Invitae), Labcorp
Classification: Uncertain significance. Last evaluated: 2023-08-10. Review status: criteria provided, single submitter. Criteria: Invitae Variant Classification Sherloc (09022015). Collection method: clinical testing. Allele origin: germline.
Comment: Advanced modeling of protein sequence and biophysical properties (such as structural, functional, and spatial information, amino acid conservation, physicochemical variation, residue mobility, and thermodynamic stability) performed at Invitae indicates that this missense variant is not expected to disrupt GNAT1 protein function. This sequence change replaces alanine, which is neutral and non-polar, with glycine, which is neutral and non-polar, at codon 79 of the GNAT1 protein (p.Ala79Gly). This variant is present in population databases (rs765432703, gnomAD 0.02%). This variant has not been reported in the literature in individuals affected with GNAT1-related conditions. ClinVar contains an entry for this variant (Variation ID: 1347590). In summary, the available evidence is currently insufficient to determine the role of this variant in disease. Therefore, it has been classified as a Variant of Uncertain Significance.

Ambry Genetics
Classification: Uncertain significance for Inborn genetic diseases. Last evaluated: 2023-06-21. Review status: criteria provided, single submitter. Criteria: Ambry Variant Classification Scheme 2023. Collection method: clinical testing. Allele origin: germline.

NM_144499.3(GNAT1):c.236C>G (p.Ala79Gly)

Gene: GNAT1 (G protein subunit alpha transducin 1; plus strand). Cytogenetic location: 3p21.31.
Variant type: single nucleotide variant.
Coding change: c.236C>G on transcript NM_144499.3 (MANE Select); coding-DNA position 236, C replaced by G.
Protein change: p.Ala79Gly; replaces alanine 79 with glycine.
Molecular consequence: missense variant.
Genome position (GRCh38, 1-based): chr3:50,193,351, C>G. VCF-style: chr3-50193351-C-G. GRCh37 (hg19) VCF-style: chr3-50230784-C-G.
Other names: c.236C>G, p.Ala79Gly (NM_000172.4); c.236C>G (NM_144499.2); short protein forms A79G.
Identifiers: ClinVar variation 1347590 (VCV001347590.7), dbSNP rs765432703, ClinGen allele CA2412488.